The following is an entry in ClinVar:

NM_004006.3(DMD):c.474C>G (p.Asn158Lys)

Gene: DMD (dystrophin; minus strand). Cytogenetic location: Xp21.1.
Variant type: single nucleotide variant.
Coding change: c.474C>G on transcript NM_004006.3 (MANE Select); coding-DNA position 474, C replaced by G.
Protein change: p.Asn158Lys; replaces asparagine 158 with lysine.
Molecular consequence: missense variant.
Genome position (GRCh38, 1-based): chrX:32,816,524, G>C on the plus strand (C>G on the coding strand, the complement: DMD is on the minus strand). VCF-style: chrX-32816524-G-C. GRCh37 (hg19) VCF-style: chrX-32834641-G-C.
Other names: c.450C>G, p.Asn150Lys (NM_000109.4); c.462C>G, p.Asn154Lys (NM_004009.3); c.105C>G, p.Asn35Lys (NM_004010.3); short protein forms N150K, N154K, N158K, N35K.
Identifiers: ClinVar variation 2737180 (VCV002737180.3), dbSNP rs1324314201, ClinGen allele CA412674141.

ClinVar aggregate classification (germline): Uncertain significance (1 of 4 stars; one submission).

Conditions:
Duchenne muscular dystrophy (DMD). Also called: MUSCULAR DYSTROPHY, PSEUDOHYPERTROPHIC PROGRESSIVE, DUCHENNE TYPE; Duchenne Muscular Dystrophy (DMD). Identifiers: Orphanet 98896, MedGen C0013264, MONDO:0010679, OMIM 310200.

Submission:

Labcorp Genetics (formerly Invitae), Labcorp
Classification: Uncertain significance for Duchenne muscular dystrophy. Last evaluated: 2023-10-05. Review status: criteria provided, single submitter. Criteria: Invitae Variant Classification Sherloc (09022015). Collection method: clinical testing. Allele origin: germline.
Comment: This sequence change replaces asparagine, which is neutral and polar, with lysine, which is basic and polar, at codon 158 of the DMD protein (p.Asn158Lys). This variant is not present in population databases (gnomAD no frequency). This missense change has been observed in individual(s) with DMD-related condition (PMID: 17259292). Advanced modeling of protein sequence and biophysical properties (such as structural, functional, and spatial information, amino acid conservation, physicochemical variation, residue mobility, and thermodynamic stability) performed at Invitae indicates that this missense variant is not expected to disrupt DMD protein function. This variant disrupts the p.Asn158 amino acid residue in DMD. Other variant(s) that disrupt this residue have been determined to be pathogenic (PMID: 17259292, 32403337; Invitae). This suggests that this residue is clinically significant, and that variants that disrupt this residue are likely to be disease-causing. In summary, the available evidence is currently insufficient to determine the role of this variant in disease. Therefore, it has been classified as a Variant of Uncertain Significance.

Literature cited by the submitters: PubMed 17259292; PubMed 32403337.